The following is an entry in ClinVar:

NM_017654.4(SAMD9):c.3941A>T (p.Gln1314Leu)

Gene: SAMD9 (sterile alpha motif domain containing 9; minus strand). Cytogenetic location: 7q21.2.
Variant type: single nucleotide variant.
Coding change: c.3941A>T on transcript NM_017654.4 (MANE Select); coding-DNA position 3941, A replaced by T.
Protein change: p.Gln1314Leu; replaces glutamine 1314 with leucine.
Molecular consequence: missense variant.
Genome position (GRCh38, 1-based): chr7:93,102,157, T>A on the plus strand (A>T on the coding strand, the complement: SAMD9 is on the minus strand). VCF-style: chr7-93102157-T-A. GRCh37 (hg19) VCF-style: chr7-92731470-T-A.
Other names: c.3941A>T, p.Gln1314Leu (NM_001193307.2); c.3941A>T (NM_017654.3); short protein forms Q1314L.
Identifiers: ClinVar variation 2878583 (VCV002878583.6), dbSNP rs1791542193, ClinGen allele CA368181651.
Genomic context (GRCh38, chr7:93,102,157, plus strand): 5'-CTCCTGCATCTCTCTACTTGAAGTGGCTCACTGAACTTTGATCCAAGACCTGTGTTGTTT[T>A]GTGATTCTTCTAAGAGACAAAATATATCTACATATTTCTTAAAATATCCAGCCACCTTTC-3'
Protein context (NP_060124.2, residues 1304-1324): VDIFCLLEES[Gln1314Leu]NNTGLGSKFS

ClinVar aggregate classification (germline): Uncertain significance. Review status: criteria provided, multiple submitters, no conflicts (2 of 4 stars). 4 submissions from 4 submitters: Uncertain significance (4). Last evaluated 2026-04-26.

Conditions:
Inborn genetic diseases. Identifiers: MedGen C0950123, MeSH D030342.
SAMD9-related disorder. Also called: SAMD9-related condition.

Allele frequency attached by ClinVar (database versions not stated): gnomAD 0.00001; TOPMed 0.00001.
gnomAD v4.1: 1 of 1,613,540 alleles (0.000062%); highest among the groups gnomAD compares: African/African-American, 0.0013%; no homozygotes.

Submissions (4):

PreventionGenetics, part of Exact Sciences
Classification: Uncertain significance for SAMD9-related condition. Last evaluated: 2026-04-26. Review status: criteria provided, single submitter. Criteria: ACMG Guidelines, 2015. Collection method: clinical testing. Allele origin: germline.
Comment: The SAMD9 c.3941A>T variant is predicted to result in the amino acid substitution p.Gln1314Leu. To our knowledge, this variant has not been reported in the literature or in a large population database (gnomAD), indicating this variant is rare. At this time, the clinical significance of this variant is uncertain due to the absence of conclusive functional and genetic evidence.

Ambry Genetics
Classification: Uncertain significance for Inborn genetic diseases. Last evaluated: 2025-02-22. Review status: criteria provided, single submitter. Criteria: Ambry Variant Classification Scheme 2023. Collection method: clinical testing. Allele origin: germline.
Comment: The p.Q1314L variant (also known as c.3941A>T), located in coding exon 1 of the SAMD9 gene, results from an A to T substitution at nucleotide position 3941. The glutamine at codon 1314 is replaced by leucine, an amino acid with dissimilar properties. This amino acid position is conserved. In addition, this alteration is predicted to be tolerated by in silico analysis. Based on the available evidence, the clinical significance of this variant remains unclear.

GeneDx
Classification: Uncertain significance. Last evaluated: 2024-06-12. Review status: criteria provided, single submitter. Criteria: GeneDx Variant Classification Process June 2021. Collection method: clinical testing. Allele origin: germline. Affected: yes.
Comment: Not observed at significant frequency in large population cohorts (gnomAD); In silico analysis indicates that this missense variant does not alter protein structure/function; Has not been previously published as pathogenic or benign to our knowledge

Labcorp Genetics (formerly Invitae), Labcorp
Classification: Uncertain significance. Last evaluated: 2023-05-16. Review status: criteria provided, single submitter. Criteria: Invitae Variant Classification Sherloc (09022015). Collection method: clinical testing. Allele origin: germline.
Comment: This variant has not been reported in the literature in individuals affected with SAMD9-related conditions. This sequence change replaces glutamine, which is neutral and polar, with leucine, which is neutral and non-polar, at codon 1314 of the SAMD9 protein (p.Gln1314Leu). This variant is not present in population databases (gnomAD no frequency). Advanced modeling of protein sequence and biophysical properties (such as structural, functional, and spatial information, amino acid conservation, physicochemical variation, residue mobility, and thermodynamic stability) performed at Invitae indicates that this missense variant is not expected to disrupt SAMD9 protein function. In summary, the available evidence is currently insufficient to determine the role of this variant in disease. Therefore, it has been classified as a Variant of Uncertain Significance.